The following is an entry in ClinVar:

NM_021784.5(FOXA2):c.438G>C (p.Ala146=)

Gene: FOXA2 (forkhead box A2; minus strand). Cytogenetic location: 20p11.21.
Variant type: single nucleotide variant.
Coding change: c.438G>C on transcript NM_021784.5 (MANE Select); coding-DNA position 438, G replaced by C.
Protein change: p.Ala146=; no amino-acid change (alanine 146 retained).
Molecular consequence: synonymous variant.
Genome position (GRCh38, 1-based): chr20:22,582,804, C>G on the plus strand (G>C on the coding strand, the complement: FOXA2 is on the minus strand). VCF-style: chr20-22582804-C-G. GRCh37 (hg19) VCF-style: chr20-22563442-C-G.
Other names: c.420G>C, p.Ala140= (NM_153675.3); c.438G>C (NM_021784.4).
Identifiers: ClinVar variation 2064808 (VCV002064808.6), dbSNP rs201700439, ClinGen allele CA9787015.
Genomic context (GRCh38, chr20:22,582,804, plus strand): 5'-CGGCTTTGCGTGCGTGTAGCTGCGCCTGTAGGTCTTGGGGTCGCGGGCGCGGCTCAGGCC[C>G]GCCTGCCCGTACATGGGGCTCATGGAGTTCATGTTGGCGTAGGGGGCCAGGCCGCCCATG-3'
Protein context (NP_068556.2, residues 136-156): MNSMSPMYGQ[Ala146=]GLSRARDPKT

ClinVar aggregate classification (germline): Benign. Review status: criteria provided, single submitter (1 of 4 stars). 2 submissions from 2 submitters: Benign (1). 1 of the submissions does not count toward it. Last evaluated 2023-12-07.

Conditions:
FOXA2-related disorder. Also called: FOXA2-related condition.

Allele frequency attached by ClinVar (database versions not stated): TOPMed 0.00020; gnomAD 0.00017; ExAC 0.00022; ESP Exome Variant Server 0.00015.
gnomAD v4.1: 267 of 1,613,348 alleles (0.017%); highest among the groups gnomAD compares: Middle Eastern, 0.066%; no homozygotes.

Submissions (2):

Labcorp Genetics (formerly Invitae), Labcorp
Classification: Benign. Last evaluated: 2023-12-07. Review status: criteria provided, single submitter. Criteria: Invitae Variant Classification Sherloc (09022015). Collection method: clinical testing. Allele origin: germline.

PreventionGenetics, part of Exact Sciences
Classification: Likely benign for FOXA2-related condition. Last evaluated: 2019-08-11. Review status: no assertion criteria provided. Collection method: clinical testing. Allele origin: germline. Not counted in ClinVar's aggregate classification.
Comment: This variant is classified as likely benign based on ACMG/AMP sequence variant interpretation guidelines (Richards et al. 2015 PMID: 25741868, with internal and published modifications).